The following is an entry in ClinVar:

NM_001111.5(ADAR):c.3168C>G (p.Phe1056Leu)

Gene: ADAR (adenosine deaminase RNA specific; minus strand). Cytogenetic location: 1q21.3.
Variant type: single nucleotide variant.
Coding change: c.3168C>G on transcript NM_001111.5 (MANE Select); coding-DNA position 3168, C replaced by G.
Protein change: p.Phe1056Leu; replaces phenylalanine 1056 with leucine.
Molecular consequence: missense variant.
Genome position (GRCh38, 1-based): chr1:154,586,215, G>C on the plus strand (C>G on the coding strand, the complement: ADAR is on the minus strand). VCF-style: chr1-154586215-G-C. GRCh37 (hg19) VCF-style: chr1-154558691-G-C.
Other names: c.2283C>G, p.Phe761Leu (NM_001025107.3, NM_001193495.2, NM_001365046.1 and 2 more transcripts); c.3195C>G, p.Phe1065Leu (NM_001365045.1); c.2205C>G, p.Phe735Leu (NM_001365049.1); c.3090C>G, p.Phe1030Leu (NM_015840.4); c.3033C>G, p.Phe1011Leu (NM_015841.4); short protein forms F1065L, F761L, F1011L, F1056L, F1030L, F735L.
Identifiers: ClinVar variation 2197440 (VCV002197440.4), dbSNP rs756504123, ClinGen allele CA1131042.

ClinVar aggregate classification (germline): Uncertain significance (1 of 4 stars; one submission).

Conditions:
Symmetrical dyschromatosis of extremities (DSH). Also called: RETICULATE ACROPIGMENTATION OF DOHI; SYMMETRIC DYSCHROMATOSIS OF THE EXTREMITIES; Dyschromatosis symmetrica hereditaria; DYSCHROMATOSIS SYMMETRICA HEREDITARIA 1. Identifiers: Orphanet 41, MedGen C0406775, MONDO:0007483, OMIM 127400.
Aicardi-Goutieres syndrome 6 (AGS6). Identifiers: Orphanet 51, MedGen C3539013, MONDO:0014007, OMIM 615010.

Allele frequency attached by ClinVar (database versions not stated): TOPMed below 0.00001; ExAC 0.00001.
gnomAD v4.1: 5 of 1,614,230 alleles (0.00031%); highest among the groups gnomAD compares: Non-Finnish European, 0.00042%; no homozygotes.

Submission:

Labcorp Genetics (formerly Invitae), Labcorp
Classification: Uncertain significance for Aicardi-Goutieres syndrome 6; Symmetrical dyschromatosis of extremities. Last evaluated: 2025-01-23. Review status: criteria provided, single submitter. Criteria: Invitae Variant Classification Sherloc (09022015). Collection method: clinical testing. Allele origin: germline.
Comment: This sequence change replaces phenylalanine, which is neutral and non-polar, with leucine, which is neutral and non-polar, at codon 1056 of the ADAR protein (p.Phe1056Leu). This variant is present in population databases (rs756504123, gnomAD 0.0009%). This variant has not been reported in the literature in individuals affected with ADAR-related conditions. ClinVar contains an entry for this variant (Variation ID: 2197440). Invitae Evidence Modeling of protein sequence and biophysical properties (such as structural, functional, and spatial information, amino acid conservation, physicochemical variation, residue mobility, and thermodynamic stability) has been performed for this missense variant. However, the output from this modeling did not meet the statistical confidence thresholds required to predict the impact of this variant on ADAR protein function. In summary, the available evidence is currently insufficient to determine the role of this variant in disease. Therefore, it has been classified as a Variant of Uncertain Significance.